The following is an entry in ClinVar:

ClinVar aggregate classification (germline): Uncertain significance (1 of 4 stars; one submission).

Conditions:
Mendelian susceptibility to mycobacterial diseases due to complete IL12RB1 deficiency. Also called: IL12RB1 DEFICIENCY; Immunodeficiency 30. Identifiers: Orphanet 319552, MedGen C4013949, MONDO:0013955, OMIM 614891.

Allele frequency attached by ClinVar (database versions not stated): gnomAD exomes below 0.00001.
gnomAD v4.1: 1 of 1,613,218 alleles (0.000062%); highest among the groups gnomAD compares: Non-Finnish European, 0.000085%; no homozygotes.

Submission:

Labcorp Genetics (formerly Invitae), Labcorp
Classification: Uncertain significance for Mendelian susceptibility to mycobacterial diseases due to complete IL12RB1 deficiency. Last evaluated: 2022-11-01. Review status: criteria provided, single submitter. Criteria: Invitae Variant Classification Sherloc (09022015). Collection method: clinical testing. Allele origin: germline.
Comment: In summary, the available evidence is currently insufficient to determine the role of this variant in disease. Therefore, it has been classified as a Variant of Uncertain Significance. Advanced modeling of protein sequence and biophysical properties (such as structural, functional, and spatial information, amino acid conservation, physicochemical variation, residue mobility, and thermodynamic stability) performed at Invitae indicates that this missense variant is not expected to disrupt IL12RB1 protein function. This variant has not been reported in the literature in individuals affected with IL12RB1-related conditions. This variant is not present in population databases (gnomAD no frequency). This sequence change replaces isoleucine, which is neutral and non-polar, with leucine, which is neutral and non-polar, at codon 539 of the IL12RB1 protein (p.Ile539Leu).

NM_005535.3(IL12RB1):c.1615A>C (p.Ile539Leu)

Gene: IL12RB1 (interleukin 12 receptor subunit beta 1; minus strand). Cytogenetic location: 19p13.11.
Variant type: single nucleotide variant.
Coding change: c.1615A>C on transcript NM_005535.3 (MANE Select); coding-DNA position 1615, A replaced by C.
Protein change: p.Ile539Leu; replaces isoleucine 539 with leucine.
Molecular consequence: missense variant.
Genome position (GRCh38, 1-based): chr19:18,063,879, T>G on the plus strand (A>C on the coding strand, the complement: IL12RB1 is on the minus strand). VCF-style: chr19-18063879-T-G. GRCh37 (hg19) VCF-style: chr19-18174689-T-G.
Other names: c.1615A>C, p.Ile539Leu (NM_001290023.2); c.1735A>C, p.Ile579Leu (NM_001290024.2); short protein forms I539L, I579L.
Identifiers: ClinVar variation 2089597 (VCV002089597.4), dbSNP rs2514923901, ClinGen allele CA404776243.